The following is an entry in ClinVar:

NM_000051.4(ATM):c.7100T>C (p.Val2367Ala)

Genes: C11orf65 (chromosome 11 open reading frame 65; minus strand), ATM (ATM serine/threonine kinase; plus strand). Cytogenetic location: 11q22.3.
Variant type: single nucleotide variant.
Coding change: c.7100T>C on transcript NM_000051.4 (MANE Select); coding-DNA position 7100, T replaced by C.
Protein change: p.Val2367Ala; replaces valine 2367 with alanine.
Molecular consequence: missense variant. On other transcripts: intron variant (2).
Genome position (GRCh38, 1-based): chr11:108,329,031, T>C. VCF-style: chr11-108329031-T-C. GRCh37 (hg19) VCF-style: chr11-108199758-T-C.
Other names: c.7100T>C, p.Val2367Ala (NM_001351834.2); c.641-19960A>G (NM_001330368.2); c.*38+6189A>G (NM_001351110.2); short protein forms V2367A.
Identifiers: ClinVar variation 1757188 (VCV001757188.5), dbSNP rs1161744919, ClinGen allele CA382559397.
Genomic context (GRCh38, chr11:108,329,031, plus strand): 5'-TGTATTTAGTATTTGTAAATATAATTTAAATTGGTTGTGTTTTCTTGAAGGCAGTAGAAG[T>C]TGCTGGAAATTATGATGGAGAAAGTAGTGATGAGCTAAGAAATGGAAAAATGAAGGCATT-3'
Protein context (NP_000042.3, residues 2357-2377): MQTYLEKAVE[Val2367Ala]AGNYDGESSD

ClinVar aggregate classification (germline): Uncertain significance. Review status: criteria provided, multiple submitters, no conflicts (2 of 4 stars). 2 submissions from 2 submitters: Uncertain significance (2). Last evaluated 2024-12-27.

Conditions:
Ataxia-telangiectasia syndrome (AT). Also called: Ataxia telangiectasia (A-T); LOUIS-BAR SYNDROME; Cerebello-oculocutaneous telangiectasia; Immunodeficiency with ataxia telangiectasia; Ataxia-telangiectasia, complementation group D; AT, COMPLEMENTATION GROUP C. Identifiers: Orphanet 100, MedGen C0004135, MONDO:0008840, OMIM 208900.
Hereditary cancer-predisposing syndrome. Also called: Hereditary neoplastic syndrome; Neoplastic Syndromes, Hereditary; Tumor predisposition; Hereditary Cancer Syndrome. Identifiers: Orphanet 140162, MedGen C0027672, MeSH D009386, MONDO:0015356.

Submissions (2):

Ambry Genetics
Classification: Uncertain significance for Hereditary cancer-predisposing syndrome. Last evaluated: 2024-12-27. Review status: criteria provided, single submitter. Criteria: Ambry Variant Classification Scheme 2023. Collection method: clinical testing. Allele origin: germline.
Comment: The p.V2367A variant (also known as c.7100T>C), located in coding exon 48 of the ATM gene, results from a T to C substitution at nucleotide position 7100. The valine at codon 2367 is replaced by alanine, an amino acid with similar properties. This amino acid position is well conserved in available vertebrate species. In addition, the in silico prediction for this alteration is inconclusive. Since supporting evidence is limited at this time, the clinical significance of this alteration remains unclear.

Labcorp Genetics (formerly Invitae), Labcorp
Classification: Uncertain significance for Ataxia-telangiectasia syndrome. Last evaluated: 2022-01-17. Review status: criteria provided, single submitter. Criteria: Invitae Variant Classification Sherloc (09022015). Collection method: clinical testing. Allele origin: germline.
Comment: This sequence change replaces valine, which is neutral and non-polar, with alanine, which is neutral and non-polar, at codon 2367 of the ATM protein (p.Val2367Ala). This variant is not present in population databases (gnomAD no frequency). This variant has not been reported in the literature in individuals affected with ATM-related conditions. Advanced modeling of protein sequence and biophysical properties (such as structural, functional, and spatial information, amino acid conservation, physicochemical variation, residue mobility, and thermodynamic stability) performed at Invitae indicates that this missense variant is not expected to disrupt ATM protein function. In summary, the available evidence is currently insufficient to determine the role of this variant in disease. Therefore, it has been classified as a Variant of Uncertain Significance.